The following is an entry in ClinVar:

ClinVar aggregate classification (germline): Uncertain significance. Review status: criteria provided, multiple submitters, no conflicts (2 of 4 stars). 3 submissions from 3 submitters: Uncertain significance (3). Last evaluated 2024-04-01.

Conditions:
Hereditary cancer-predisposing syndrome. Also called: Hereditary neoplastic syndrome; Neoplastic Syndromes, Hereditary; Tumor predisposition; Hereditary Cancer Syndrome. Identifiers: Orphanet 140162, MedGen C0027672, MeSH D009386, MONDO:0015356.
Hereditary diffuse gastric adenocarcinoma (HDGC). Also called: DIFFUSE GASTRIC AND LOBULAR BREAST CANCER SYNDROME. Identifiers: Orphanet 26106, MedGen C1708349, MONDO:0007648, OMIM 137215.

Allele frequency attached by ClinVar (database versions not stated): gnomAD exomes below 0.00001.
gnomAD v4.1: 1 of 1,614,244 alleles (0.000062%); highest among the groups gnomAD compares: Non-Finnish European, 0.000085%; no homozygotes.

Submissions (3):

Labcorp Genetics (formerly Invitae), Labcorp
Classification: Uncertain significance for Hereditary diffuse gastric adenocarcinoma. Last evaluated: 2024-04-01. Review status: criteria provided, single submitter. Criteria: Invitae Variant Classification Sherloc (09022015). Collection method: clinical testing. Allele origin: germline.
Comment: This sequence change replaces phenylalanine, which is neutral and non-polar, with serine, which is neutral and polar, at codon 499 of the CDH1 protein (p.Phe499Ser). This variant is not present in population databases (gnomAD no frequency). This missense change has been observed in individual(s) with breast cancer (PMID: 36436516). ClinVar contains an entry for this variant (Variation ID: 483233). An algorithm developed to predict the effect of missense changes on protein structure and function (PolyPhen-2) suggests that this variant is likely to be disruptive. In summary, the available evidence is currently insufficient to determine the role of this variant in disease. Therefore, it has been classified as a Variant of Uncertain Significance.

European Reference Network on Genetic Tumour Risk Syndromes (ERN-GENTURIS), i3s - Instituto de Investigação e Inovação em Saúde, University of Porto
Classification: Uncertain significance for Hereditary diffuse gastric adenocarcinoma. Last evaluated: 2022-08-01. Review status: criteria provided, single submitter. Criteria: Lee et al. (Hum Mutat. 2018). Collection method: clinical testing. Allele origin: germline. Inheritance: Autosomal dominant inheritance. Affected: no. Study: ERN GENTURIS.
Comment: PM2 (PMID: 30311375)

Ambry Genetics
Classification: Uncertain significance for Hereditary cancer-predisposing syndrome. Last evaluated: 2016-05-17. Review status: criteria provided, single submitter. Criteria: Ambry Variant Classification Scheme 2023. Collection method: clinical testing. Allele origin: germline.
Comment: The p.F499S variant (also known as c.1496T>C), located in coding exon 10 of the CDH1 gene, results from a T to C substitution at nucleotide position 1496. The phenylalanine at codon 499 is replaced by serine, an amino acid with highly dissimilar properties. This variant was not reported in population based cohorts in the following databases: Database of Single Nucleotide Polymorphisms (dbSNP), NHLBI Exome Sequencing Project (ESP), and 1000 Genomes Project. In the ESP, this variant was not observed in 6498 samples (12996 alleles) with coverage at this position. To date, this alteration has been detected with an allele frequency of approximately 0.001% (greater than 175000 alleles tested) in our clinical cohort. This amino acid position is not well conserved in available vertebrate species. In addition, this alteration is predicted to be tolerated by in silico analysis. Since supporting evidence is limited at this time, the clinical significance of this alteration remains unclear.

Literature cited by the submitters: PubMed 36436516 (cited by Labcorp Genetics (formerly Invitae), Labcorp and European Reference Network on Genetic Tumour Risk Syndromes (ERN-GENTURIS), i3s - Instituto de Investigação e Inovação em Saúde, University of Porto).

NM_004360.5(CDH1):c.1496T>C (p.Phe499Ser)

Gene: CDH1 (cadherin 1; plus strand). Cytogenetic location: 16q22.1.
Variant type: single nucleotide variant.
Coding change: c.1496T>C on transcript NM_004360.5 (MANE Select); coding-DNA position 1496, T replaced by C.
Protein change: p.Phe499Ser; replaces phenylalanine 499 with serine.
Molecular consequence: missense variant. On other transcripts: 5 prime UTR variant (2).
Genome position (GRCh38, 1-based): chr16:68,815,690, T>C. VCF-style: chr16-68815690-T-C. GRCh37 (hg19) VCF-style: chr16-68849593-T-C.
Other names: c.1496T>C (LRG_301t1, NM_004360.4); c.1313T>C, p.Phe438Ser (NM_001317184.2); c.-53T>C (NM_001317185.2); c.-324T>C (NM_001317186.2); short protein forms F499S, F438S.
Identifiers: ClinVar variation 483233 (VCV000483233.15), dbSNP rs1555516163, ClinGen allele CA396463246.